The following is an entry in ClinVar:

NM_000702.4(ATP1A2):c.275G>A (p.Arg92His)

Gene: ATP1A2 (ATPase Na+/K+ transporting subunit alpha 2; plus strand). Cytogenetic location: 1q23.2.
Variant type: single nucleotide variant.
Coding change: c.275G>A on transcript NM_000702.4 (MANE Select); coding-DNA position 275, G replaced by A.
Protein change: p.Arg92His; replaces arginine 92 with histidine.
Molecular consequence: missense variant.
Genome position (GRCh38, 1-based): chr1:160,123,310, G>A. VCF-style: chr1-160123310-G-A. GRCh37 (hg19) VCF-style: chr1-160093100-G-A.
Other names: short protein forms R92H.
Identifiers: ClinVar variation 284898 (VCV000284898.16), dbSNP rs774275559, ClinGen allele CA1194149.
Genomic context (GRCh38, chr1:160,123,310, plus strand): 5'-GAGATGGGCCCAACGCCCTCACACCACCTCCCACAACCCCTGAGTGGGTCAAGTTCTGCC[G>A]TCAGCTTTTCGGGGGGTTCTCCATCCTGCTGTGGATTGGGGCTATCCTCTGCTTCCTGGC-3'
Protein context (NP_000693.1, residues 82-102): PTTPEWVKFC[Arg92His]QLFGGFSILL

ClinVar aggregate classification (germline): Uncertain significance. Review status: criteria provided, multiple submitters, no conflicts (2 of 4 stars). 4 submissions from 4 submitters: Uncertain significance (4). Last evaluated 2024-10-22.

Conditions:
Inborn genetic diseases. Identifiers: MedGen C0950123, MeSH D030342.
Familial hemiplegic migraine. Identifiers: MedGen C0338484, MONDO:0000700.

Allele frequency attached by ClinVar (database versions not stated): ExAC 0.00002; gnomAD exomes 0.00002; TOPMed 0.00002.
gnomAD v4.1: 24 of 1,614,204 alleles (0.0015%); highest among the groups gnomAD compares: South Asian, 0.0022%; no homozygotes.

Submissions (4):

Labcorp Genetics (formerly Invitae), Labcorp
Classification: Uncertain significance for Familial hemiplegic migraine. Last evaluated: 2024-10-22. Review status: criteria provided, single submitter. Criteria: Invitae Variant Classification Sherloc (09022015). Collection method: clinical testing. Allele origin: germline.
Comment: This sequence change replaces arginine, which is basic and polar, with histidine, which is basic and polar, at codon 92 of the ATP1A2 protein (p.Arg92His). This variant is present in population databases (rs774275559, gnomAD 0.006%). This variant has not been reported in the literature in individuals affected with ATP1A2-related conditions. ClinVar contains an entry for this variant (Variation ID: 284898). Invitae Evidence Modeling of protein sequence and biophysical properties (such as structural, functional, and spatial information, amino acid conservation, physicochemical variation, residue mobility, and thermodynamic stability) indicates that this missense variant is not expected to disrupt ATP1A2 protein function with a negative predictive value of 80%. In summary, the available evidence is currently insufficient to determine the role of this variant in disease. Therefore, it has been classified as a Variant of Uncertain Significance.

Ambry Genetics
Classification: Uncertain significance for Inborn genetic diseases. Last evaluated: 2024-08-07. Review status: criteria provided, single submitter. Criteria: Ambry Variant Classification Scheme 2023. Collection method: clinical testing. Allele origin: germline.

GeneDx
Classification: Uncertain significance. Last evaluated: 2021-12-21. Review status: criteria provided, single submitter. Criteria: GeneDx Variant Classification Process June 2021. Collection method: clinical testing. Allele origin: germline. Affected: yes.
Comment: In silico analysis supports that this missense variant does not alter protein structure/function; Has not been previously published as pathogenic or benign to our knowledge

Eurofins Ntd Llc (ga)
Classification: Uncertain significance. Last evaluated: 2015-11-24. Review status: criteria provided, single submitter. Criteria: EGL Classification Definitions 2015. Collection method: clinical testing. Allele origin: germline. Observed: 1 variant allele, 1 heterozygote.